The following is an entry in ClinVar:

NM_139057.4(ADAMTS17):c.2780C>T (p.Ala927Val)

Gene: ADAMTS17 (ADAM metallopeptidase with thrombospondin type 1 motif 17; minus strand). Cytogenetic location: 15q26.3.
Variant type: single nucleotide variant.
Coding change: c.2780C>T on transcript NM_139057.4 (MANE Select); coding-DNA position 2780, C replaced by T.
Protein change: p.Ala927Val; replaces alanine 927 with valine.
Molecular consequence: missense variant.
Genome position (GRCh38, 1-based): chr15:99,997,401, G>A on the plus strand (C>T on the coding strand, the complement: ADAMTS17 is on the minus strand). VCF-style: chr15-99997401-G-A. GRCh37 (hg19) VCF-style: chr15-100537606-G-A.
Other names: short protein forms A927V.
Identifiers: ClinVar variation 1447227 (VCV001447227.4), dbSNP rs756721876, ClinGen allele CA393694027.
Genomic context (GRCh38, chr15:99,997,401, plus strand): 5'-GGAGTCCCTGTGGCTGAGTCCTGGTGGCAAGCCCAGGCACCCACCTGTGACCACTCAGAC[G>A]CCTCCCAGATGGACAGGCAGTCCTGGCCTTCACAGCTCTGCACTGCCGCCGGCCGGGGGC-3'
Protein context (NP_620688.2, residues 917-937): EGQDCLSIWE[Ala927Val]SEWSQCSASC

ClinVar aggregate classification (germline): Uncertain significance (1 of 4 stars; one submission).

Allele frequency attached by ClinVar (database versions not stated): TOPMed 0.00002.
gnomAD v4.1: 8 of 1,613,722 alleles (0.0005%); highest among the groups gnomAD compares: Admixed American, 0.0017%; no homozygotes.

Submission:

Labcorp Genetics (formerly Invitae), Labcorp
Classification: Uncertain significance. Last evaluated: 2021-09-21. Review status: criteria provided, single submitter. Criteria: Invitae Variant Classification Sherloc (09022015). Collection method: clinical testing. Allele origin: germline.
Comment: In summary, the available evidence is currently insufficient to determine the role of this variant in disease. Therefore, it has been classified as a Variant of Uncertain Significance. Algorithms developed to predict the effect of missense changes on protein structure and function are either unavailable or do not agree on the potential impact of this missense change (SIFT: "Not Available"; PolyPhen-2: "Probably Damaging"; Align-GVGD: "Not Available"). This variant has not been reported in the literature in individuals affected with ADAMTS17-related conditions. This variant is not present in population databases (ExAC no frequency). This sequence change replaces alanine with valine at codon 927 of the ADAMTS17 protein (p.Ala927Val). The alanine residue is highly conserved and there is a small physicochemical difference between alanine and valine.